The following is an entry in ClinVar:

ClinVar aggregate classification (germline): Uncertain significance. Review status: criteria provided, multiple submitters, no conflicts (2 of 4 stars). 2 submissions from 2 submitters: Uncertain significance (2). Last evaluated 2026-01-12.

Conditions:
Inborn genetic diseases. Identifiers: MedGen C0950123, MeSH D030342.
Optic atrophy 3 (OPA3). Also called: OPTIC ATROPHY 3, AUTOSOMAL DOMINANT; Optic atrophy, cataract, and neurologic disorder; Optic atrophy 3 with cataract. Identifiers: Orphanet 67036, MedGen C1833809, MONDO:0008133, OMIM 165300.
3-Methylglutaconic aciduria type 3 (MGCA3). Also called: OPA3, AUTOSOMAL RECESSIVE; OPTIC ATROPHY 3, AUTOSOMAL RECESSIVE; Costeff Syndrome; OPA3-Related 3-Methylglutaconic Aciduria. Identifiers: Orphanet 67047, MedGen C0574084, MONDO:0009787, OMIM 258501.

Allele frequency attached by ClinVar (database versions not stated): gnomAD exomes below 0.00001; gnomAD 0.00001; TOPMed 0.00001; ExAC 0.00002; ESP Exome Variant Server 0.00008.
gnomAD v4.1: 5 of 1,607,568 alleles (0.00031%); highest among the groups gnomAD compares: Non-Finnish European, 0.00042%; no homozygotes.

Submissions (2):

Labcorp Genetics (formerly Invitae), Labcorp
Classification: Uncertain significance for 3-Methylglutaconic aciduria type 3; Optic atrophy 3. Last evaluated: 2026-01-12. Review status: criteria provided, single submitter. Criteria: Invitae Variant Classification Sherloc (09022015). Collection method: clinical testing. Allele origin: germline.
Comment: This sequence change replaces tryptophan, which is neutral and slightly polar, with arginine, which is basic and polar, at codon 119 of the OPA3 protein (p.Trp119Arg). This variant is present in population databases (rs375471439, gnomAD 0.002%). This variant has not been reported in the literature in individuals affected with OPA3-related conditions. ClinVar contains an entry for this variant (Variation ID: 1511130). An algorithm developed to predict the effect of missense changes on protein structure and function (PolyPhen-2) suggests that this variant is likely to be tolerated. In summary, the available evidence is currently insufficient to determine the role of this variant in disease. Therefore, it has been classified as a Variant of Uncertain Significance.

Ambry Genetics
Classification: Uncertain significance for Inborn genetic diseases. Last evaluated: 2023-09-20. Review status: criteria provided, single submitter. Criteria: Ambry Variant Classification Scheme 2023. Collection method: clinical testing. Allele origin: germline.

NM_025136.4(OPA3):c.355T>A (p.Trp119Arg)

Genes: OPA3 (outer mitochondrial membrane lipid metabolism regulator OPA3; minus strand), OPA3-RTN2 (OPA3-RTN2 readthrough; minus strand). Cytogenetic location: 19q13.32.
Variant type: single nucleotide variant.
Coding change: c.355T>A on transcript NM_025136.4 (MANE Select); coding-DNA position 355, T replaced by A.
Protein change: p.Trp119Arg; replaces tryptophan 119 with arginine.
Molecular consequence: missense variant. On other transcripts: intron variant (1).
Genome position (GRCh38, 1-based): chr19:45,553,699, A>T on the plus strand (T>A on the coding strand, the complement: OPA3 is on the minus strand). VCF-style: chr19-45553699-A-T. GRCh37 (hg19) VCF-style: chr19-46056957-A-T.
Other names: c.143-24243T>A (NM_001017989.3); c.355T>A (NM_025136.3); short protein forms W119R.
Identifiers: ClinVar variation 1511130 (VCV001511130.6), dbSNP rs375471439, ClinGen allele CA9517410.